The following is an entry in ClinVar:

ClinVar aggregate classification (germline): Uncertain significance (1 of 4 stars; one submission).

Conditions:
Hypertrophic cardiomyopathy. Also called: HYPERTROPHIC MYOCARDIOPATHY. Identifiers: Orphanet 217569, MedGen C0007194, MeSH D002312, MONDO:0005045, HP:0001639.

Submission:

Labcorp Genetics (formerly Invitae), Labcorp
Classification: Uncertain significance for Hypertrophic cardiomyopathy. Last evaluated: 2024-04-05. Review status: criteria provided, single submitter. Criteria: Invitae Variant Classification Sherloc (09022015). Collection method: clinical testing. Allele origin: germline.
Comment: This sequence change replaces alanine, which is neutral and non-polar, with aspartic acid, which is acidic and polar, at codon 61 of the MYH7 protein (p.Ala61Asp). This variant is not present in population databases (gnomAD no frequency). This variant has not been reported in the literature in individuals affected with MYH7-related conditions. Advanced modeling of protein sequence and biophysical properties (such as structural, functional, and spatial information, amino acid conservation, physicochemical variation, residue mobility, and thermodynamic stability) performed at Invitae indicates that this missense variant is expected to disrupt MYH7 protein function with a positive predictive value of 95%. In summary, the available evidence is currently insufficient to determine the role of this variant in disease. Therefore, it has been classified as a Variant of Uncertain Significance.

NM_000257.4(MYH7):c.182C>A (p.Ala61Asp)

Gene: MYH7 (myosin heavy chain 7; minus strand). Cytogenetic location: 14q11.2.
Variant type: single nucleotide variant.
Coding change: c.182C>A on transcript NM_000257.4 (MANE Select); coding-DNA position 182, C replaced by A.
Protein change: p.Ala61Asp; replaces alanine 61 with aspartic acid.
Molecular consequence: missense variant.
Genome position (GRCh38, 1-based): chr14:23,433,551, G>T on the plus strand (C>A on the coding strand, the complement: MYH7 is on the minus strand). VCF-style: chr14-23433551-G-T. GRCh37 (hg19) VCF-style: chr14-23902760-G-T.
Other names: c.182C>A, p.Ala61Asp (NM_001407004.1); short protein forms A61D.
Identifiers: ClinVar variation 3636064 (VCV003636064.2).